The following is an entry in ClinVar:

NM_001365276.2(TNXB):c.3301G>A (p.Gly1101Arg)

Gene: TNXB (tenascin XB; minus strand). Cytogenetic location: 6p21.33.
Variant type: single nucleotide variant.
Coding change: c.3301G>A on transcript NM_001365276.2 (MANE Select); coding-DNA position 3301, G replaced by A.
Protein change: p.Gly1101Arg; replaces glycine 1101 with arginine.
Molecular consequence: missense variant.
Genome position (GRCh38, 1-based): chr6:32,084,557, C>T on the plus strand (G>A on the coding strand, the complement: TNXB is on the minus strand). VCF-style: chr6-32084557-C-T. GRCh37 (hg19) VCF-style: chr6-32052334-C-T.
Other names: c.3301G>A, p.Gly1101Arg (NM_019105.8); short protein forms G1101R.
Identifiers: ClinVar variation 1729992 (VCV001729992.8), dbSNP rs780388033, ClinGen allele CA3735206.

ClinVar aggregate classification (germline): Conflicting classifications of pathogenicity. Review status: criteria provided, conflicting classifications (1 of 4 stars). 3 submissions from 3 submitters: Uncertain significance (2); Likely benign (1). Last evaluated 2025-08-13.

Conditions:
Cardiovascular phenotype. Identifiers: MedGen CN230736.
Vesicoureteral reflux 8 (VUR8). Identifiers: Orphanet 289365, MedGen C4014831, MONDO:0014422, OMIM 615963.

Allele frequency attached by ClinVar (database versions not stated): ExAC 0.00011; TOPMed 0.00034; gnomAD exomes 0.00004; gnomAD 0.00023.
gnomAD v4.1: 92 of 1,608,676 alleles (0.0057%); highest among the groups gnomAD compares: African/African-American, 0.083%; no homozygotes.

Submissions (3):

Ambry Genetics
Classification: Likely benign for Cardiovascular phenotype. Last evaluated: 2025-08-13. Review status: criteria provided, single submitter. Criteria: Ambry Variant Classification Scheme 2023. Collection method: clinical testing. Allele origin: germline.

GeneDx
Classification: Uncertain significance. Last evaluated: 2023-12-15. Review status: criteria provided, single submitter. Criteria: GeneDx Variant Classification Process June 2021. Collection method: clinical testing. Allele origin: germline.
Comment: Has not been previously published as pathogenic or benign to our knowledge; In silico analysis supports that this missense variant has a deleterious effect on protein structure/function

Revvity Omics, Revvity
Classification: Uncertain significance for Vesicoureteral reflux 8. Last evaluated: 2021-03-10. Review status: criteria provided, single submitter. Criteria: ACMG Guidelines, 2015. Collection method: clinical testing. Allele origin: germline.